The following is an entry in ClinVar:

ClinVar aggregate classification (germline): Conflicting classifications of pathogenicity. Review status: criteria provided, conflicting classifications (1 of 4 stars). 13 submissions from 12 submitters: Uncertain significance (8); Likely benign (2). 3 of the submissions do not count toward it. Last evaluated 2026-09-03.

Conditions:
PKHD1-related disorder. Also called: PKHD1-related condition.
Polycystic kidney disease 4 (PKD4). Also called: POLYCYSTIC KIDNEY DISEASE 4 WITH OR WITHOUT POLYCYSTIC LIVER DISEASE; POLYCYSTIC KIDNEY AND HEPATIC DISEASE 1; POLYCYSTIC KIDNEY DISEASE, INFANTILE, TYPE I; PKD3; Autosomal Recessive Polycystic Kidney Disease – PKHD1. Identifiers: MedGen C4540575, MONDO:0033004, OMIM 263200.
Autosomal recessive polycystic kidney disease (ARPKD). Also called: AR polycystic kidney disease. Identifiers: Orphanet 731, Orphanet 8378, MedGen C0085548, MeSH D017044, MONDO:0009889.

Allele frequency attached by ClinVar (database versions not stated): 1000 Genomes Project 30x 0.00031; 1000 Genomes Project 0.00040; gnomAD 0.00057; gnomAD exomes 0.00072; ExAC 0.00078; ESP Exome Variant Server 0.00131; TOPMed 0.00255.
gnomAD v4.1: 2,352 of 1,613,366 alleles (0.15%); highest among the groups gnomAD compares: Non-Finnish European, 0.18%; 10 homozygotes.

Submissions (13):

GeneDx
Classification: Uncertain significance. Last evaluated: 2026-09-03. Review status: criteria provided, single submitter. Criteria: GeneDx Variant Classification Process June 2021. Collection method: clinical testing. Allele origin: germline.
Comment: In silico analysis suggests that this missense variant does not alter protein structure/function; This variant is associated with the following publications: (PMID: 15698423, 26489027, 34426522, 34405919, 31308072)

PreventionGenetics, part of Exact Sciences
Classification: Uncertain significance for PKHD1-related condition. Last evaluated: 2026-05-04. Review status: criteria provided, single submitter. Criteria: ACMG Guidelines, 2015. Collection method: clinical testing. Allele origin: germline.
Comment: The PKHD1 c.5768A>T variant is predicted to result in the amino acid substitution p.Gln1923Leu. This variant was reported, along with a second missense variant in the same gene, in an individual with polycystic kidney disease (Bergmann et al. 2005. PubMed ID: 15698423); however, in another study, this variant was not found to be significantly enriched in an affected patient population (Miko et al. 2021. PubMed ID: 34405919, supplementary data). This variant is reported in 0.14% of alleles in individuals of European (Non-Finnish) descent in gnomAD which is likely too frequent to be consistent with pathogenicity. Although we suspect that this variant may be benign, at this time, the clinical significance of this variant is uncertain due to the absence of conclusive functional and genetic evidence.

Labcorp Genetics (formerly Invitae), Labcorp
Classification: Likely benign for Autosomal recessive polycystic kidney disease. Last evaluated: 2026-01-27. Review status: criteria provided, single submitter. Criteria: Invitae Variant Classification Sherloc (09022015). Collection method: clinical testing. Allele origin: germline.

Mayo Clinic Laboratories, Mayo Clinic
Classification: Uncertain significance. Last evaluated: 2025-07-01. Review status: criteria provided, single submitter. Criteria: ACMG Guidelines, 2015. Collection method: clinical testing. Allele origin: germline. Observed: 1 variant allele.
Comment: BS2, PM3

Blueprint Genetics
Classification: Likely benign. Last evaluated: 2024-11-05. Review status: criteria provided, single submitter. Criteria: ACMG Guidelines, 2015. Collection method: clinical testing. Allele origin: germline.

Fulgent Genetics
Classification: Uncertain significance for Polycystic kidney disease 4. Last evaluated: 2024-05-09. Review status: criteria provided, single submitter. Criteria: ACMG Guidelines, 2015. Collection method: clinical testing. Allele origin: germline.

Department of Pathology and Laboratory Medicine, Sinai Health System
Classification: Uncertain significance for Polycystic kidney disease 4. Last evaluated: 2022-10-10. Review status: criteria provided, single submitter. Criteria: ACMG Guidelines, 2015. Collection method: research. Allele origin: germline.

Women's Health and Genetics/Laboratory Corporation of America, LabCorp
Classification: Uncertain significance. Last evaluated: 2022-02-16. Review status: criteria provided, single submitter. Criteria: LabCorp Variant Classification Summary - May 2015. Collection method: clinical testing. Allele origin: germline.
Comment: Variant summary: PKHD1 c.5768A>T (p.Gln1923Leu) results in a non-conservative amino acid change in the encoded protein sequence. Three of five in-silico tools predict a benign effect of the variant on protein function. The variant allele was found at a frequency of 0.00072 in 257770 control chromosomes (gnomAD, publications), predominantly at a frequency of 0.0014 within the Non-Finnish European subpopulation in the gnomAD database. This frequency is not significantly higher than expected for a pathogenic variant in PKHD1 causing Polycystic Kidney And Hepatic Disease (0.00072 vs 0.0071), allowing no conclusion about variant significance. c.5768A>T has been reported in the literature in individuals affected with Kidney Disease (Bergmann_2005, Nicolaou_2016). These data do not allow any conclusion about variant significance. To our knowledge, no experimental evidence demonstrating an impact on protein function has been reported. Seven ClinVar submitters have assessed the variant since 2014: all have classified the variant as of uncertain significance. Based on the evidence outlined above, the variant was classified as uncertain significance.

Fulgent Genetics
Classification: Uncertain significance for Polycystic kidney disease 4. Last evaluated: 2018-10-31. Review status: criteria provided, single submitter. Criteria: ACMG Guidelines, 2015. Collection method: clinical testing. Allele origin: unknown.

Eurofins Ntd Llc (ga)
Classification: Uncertain significance. Last evaluated: 2017-10-26. Review status: criteria provided, single submitter. Criteria: EGL Classification Definitions 2015. Collection method: clinical testing. Allele origin: germline. Observed: 7 variant alleles, 7 heterozygotes.

Natera, Inc.
Classification: Uncertain significance for Autosomal recessive polycystic kidney disease. Last evaluated: 2017-11-21. Review status: no assertion criteria provided. Collection method: clinical testing. Allele origin: germline. Not counted in ClinVar's aggregate classification.

Clinical Genetics DNA and cytogenetics Diagnostics Lab, Erasmus MC, Erasmus Medical Center
Classification: Uncertain significance. Review status: no assertion criteria provided. Collection method: clinical testing. Allele origin: germline. Affected: yes. Study: VKGL Data-share Consensus. Not counted in ClinVar's aggregate classification.

Diagnostic Laboratory, Department of Genetics, University Medical Center Groningen
Classification: Uncertain significance. Review status: no assertion criteria provided. Collection method: clinical testing. Allele origin: germline. Affected: yes. Study: VKGL Data-share Consensus. Not counted in ClinVar's aggregate classification.

Literature cited by the submitters: PubMed 15698423 (cited by Mayo Clinic Laboratories, Mayo Clinic and Women's Health and Genetics/Laboratory Corporation of America, LabCorp); PubMed 26489027 (cited by Mayo Clinic Laboratories, Mayo Clinic and Women's Health and Genetics/Laboratory Corporation of America, LabCorp); PubMed 31308072 (cited by Mayo Clinic Laboratories, Mayo Clinic); PubMed 34405919 (cited by Mayo Clinic Laboratories, Mayo Clinic); PubMed 34426522 (cited by Women's Health and Genetics/Laboratory Corporation of America, LabCorp).

NM_138694.4(PKHD1):c.5768A>T (p.Gln1923Leu)

Gene: PKHD1 (PKHD1 ciliary IPT domain containing fibrocystin/polyductin; minus strand). Cytogenetic location: 6p12.2.
Variant type: single nucleotide variant.
Coding change: c.5768A>T on transcript NM_138694.4 (MANE Select); coding-DNA position 5768, A replaced by T.
Protein change: p.Gln1923Leu; replaces glutamine 1923 with leucine.
Molecular consequence: missense variant.
Genome position (GRCh38, 1-based): chr6:51,960,010, T>A on the plus strand (A>T on the coding strand, the complement: PKHD1 is on the minus strand). VCF-style: chr6-51960010-T-A. GRCh37 (hg19) VCF-style: chr6-51824808-T-A.
Other names: p.Gln1923Leu; c.5768A>T, p.Gln1923Leu (NM_170724.3); short protein forms Q1923L.
Identifiers: ClinVar variation 196989 (VCV000196989.32), dbSNP rs150838488, ClinGen allele CA244856.